The following is an entry in ClinVar:

ClinVar aggregate classification (germline): Likely benign. Review status: criteria provided, single submitter (1 of 4 stars). 2 submissions from 2 submitters: Likely benign (1). 1 of the submissions does not count toward it. Last evaluated 2024-01-09.

Conditions:
KSR2-related disorder. Also called: KSR2-related condition.

Allele frequency attached by ClinVar (database versions not stated): ExAC 0.00001; gnomAD 0.00001; TOPMed 0.00002; gnomAD exomes 0.00003.
gnomAD v4.1: 43 of 1,608,674 alleles (0.0027%); highest among the groups gnomAD compares: Middle Eastern, 0.017%; no homozygotes.

Submissions (2):

Blueprint Genetics
Classification: Likely benign. Last evaluated: 2024-01-09. Review status: criteria provided, single submitter. Criteria: ACMG Guidelines, 2015. Collection method: clinical testing. Allele origin: germline.

PreventionGenetics, part of Exact Sciences
Classification: Likely benign for KSR2-related condition. Last evaluated: 2022-01-10. Review status: no assertion criteria provided. Collection method: clinical testing. Allele origin: germline. Not counted in ClinVar's aggregate classification.
Comment: This variant is classified as likely benign based on ACMG/AMP sequence variant interpretation guidelines (Richards et al. 2015 PMID: 25741868, with internal and published modifications).

NM_173598.6(KSR2):c.1593G>A (p.Ser531=)

Gene: KSR2 (kinase suppressor of ras 2; minus strand). Cytogenetic location: 12q24.22.
Variant type: single nucleotide variant.
Coding change: c.1593G>A on transcript NM_173598.6 (MANE Select); coding-DNA position 1593, G replaced by A.
Protein change: p.Ser531=; no amino-acid change (serine 531 retained).
Molecular consequence: synonymous variant.
Genome position (GRCh38, 1-based): chr12:117,539,813, C>T on the plus strand (G>A on the coding strand, the complement: KSR2 is on the minus strand). VCF-style: chr12-117539813-C-T. GRCh37 (hg19) VCF-style: chr12-117977618-C-T.
Identifiers: ClinVar variation 3043674 (VCV003043674.3), dbSNP rs762371454, ClinGen allele CA6815985.